The following is an entry in ClinVar:

NM_133259.4(LRPPRC):c.289A>G (p.Thr97Ala)

Gene: LRPPRC (leucine rich pentatricopeptide repeat containing; minus strand). Cytogenetic location: 2p21.
Variant type: single nucleotide variant.
Coding change: c.289A>G on transcript NM_133259.4 (MANE Select); coding-DNA position 289, A replaced by G.
Protein change: p.Thr97Ala; replaces threonine 97 with alanine.
Molecular consequence: missense variant.
Genome position (GRCh38, 1-based): chr2:43,982,295, T>C on the plus strand (A>G on the coding strand, the complement: LRPPRC is on the minus strand). VCF-style: chr2-43982295-T-C. GRCh37 (hg19) VCF-style: chr2-44209434-T-C.
Other names: short protein forms T97A.
Identifiers: ClinVar variation 1029066 (VCV001029066.1), dbSNP rs1674344719, ClinGen allele CA346678161.

ClinVar aggregate classification (germline): Uncertain significance (1 of 4 stars; one submission).

Conditions:
Congenital lactic acidosis, Saguenay-Lac-Saint-Jean type (MC4DN5). Also called: MITOCHONDRIAL COMPLEX IV DEFICIENCY, NUCLEAR TYPE 5; CYTOCHROME c OXIDASE DEFICIENCY, FRENCH CANADIAN TYPE; COX DEFICIENCY, FRENCH CANADIAN TYPE. Identifiers: Orphanet 70472, MedGen C1857355, MONDO:0009069, OMIM 220111.

Submission:

Baylor Genetics
Classification: Uncertain significance for Congenital lactic acidosis, Saguenay-Lac-Saint-Jean type. Last evaluated: 2020-05-07. Review status: criteria provided, single submitter. Criteria: ACMG Guidelines, 2015. Collection method: clinical testing. Allele origin: de novo. Affected: yes.
Comment: This variant was determined to be of uncertain significance according to ACMG Guidelines, 2015 [PMID:25741868].